The following is an entry in ClinVar:

ClinVar aggregate classification (germline): Uncertain significance (1 of 4 stars; one submission).

Submission:

Labcorp Genetics (formerly Invitae), Labcorp
Classification: Uncertain significance. Last evaluated: 2024-10-30. Review status: criteria provided, single submitter. Criteria: Invitae Variant Classification Sherloc (09022015). Collection method: clinical testing. Allele origin: germline.
Comment: This sequence change replaces tryptophan, which is neutral and slightly polar, with arginine, which is basic and polar, at codon 336 of the SLC34A2 protein (p.Trp336Arg). This variant is not present in population databases (gnomAD no frequency). This variant has not been reported in the literature in individuals affected with SLC34A2-related conditions. Invitae Evidence Modeling of protein sequence and biophysical properties (such as structural, functional, and spatial information, amino acid conservation, physicochemical variation, residue mobility, and thermodynamic stability) indicates that this missense variant is not expected to disrupt SLC34A2 protein function with a negative predictive value of 80%. In summary, the available evidence is currently insufficient to determine the role of this variant in disease. Therefore, it has been classified as a Variant of Uncertain Significance.

NM_006424.3(SLC34A2):c.1006T>C (p.Trp336Arg)

Gene: SLC34A2 (solute carrier family 34 member 2; plus strand). Cytogenetic location: 4p15.2.
Variant type: single nucleotide variant.
Coding change: c.1006T>C on transcript NM_006424.3 (MANE Select); coding-DNA position 1006, T replaced by C.
Protein change: p.Trp336Arg; replaces tryptophan 336 with arginine.
Molecular consequence: missense variant.
Genome position (GRCh38, 1-based): chr4:25,671,679, T>C. VCF-style: chr4-25671679-T-C. GRCh37 (hg19) VCF-style: chr4-25673301-T-C.
Other names: c.1003T>C, p.Trp335Arg (NM_001177998.2, NM_001177999.2); short protein forms W335R, W336R.
Identifiers: ClinVar variation 3716605 (VCV003716605.2).